The following is an entry in ClinVar:

NM_001453.3(FOXC1):c.37C>G (p.Leu13Val)

Gene: FOXC1 (forkhead box C1; plus strand). Cytogenetic location: 6p25.3.
Variant type: single nucleotide variant.
Coding change: c.37C>G on transcript NM_001453.3 (MANE Select); coding-DNA position 37, C replaced by G.
Protein change: p.Leu13Val; replaces leucine 13 with valine.
Molecular consequence: missense variant.
Genome position (GRCh38, 1-based): chr6:1,610,482, C>G. VCF-style: chr6-1610482-C-G. GRCh37 (hg19) VCF-style: chr6-1610717-C-G.
Other names: short protein forms L13V.
Identifiers: ClinVar variation 1481297 (VCV001481297.6), dbSNP rs1245309163, ClinGen allele CA362557943.
Genomic context (GRCh38, chr6:1,610,482, plus strand): 5'-GCGGGGCGGCGGCGAGCGGGGGCCATGCAGGCGCGCTACTCCGTGTCCAGCCCCAACTCC[C>G]TGGGAGTGGTGCCCTACCTCGGCGGCGAGCAGAGCTACTACCGCGCGGCGGCCGCGGCGG-3'
Protein context (NP_001444.2, residues 3-23): ARYSVSSPNS[Leu13Val]GVVPYLGGEQ

ClinVar aggregate classification (germline): Uncertain significance (1 of 4 stars; one submission).

Conditions:
Axenfeld-Rieger syndrome type 3 (RIEG3). Also called: AXENFELD-RIEGER ANOMALY WITH CARDIAC DEFECTS AND/OR SENSORINEURAL HEARING LOSS. Identifiers: Orphanet 782, MedGen C2678503, MONDO:0011233, OMIM 602482.

Allele frequency attached by ClinVar (database versions not stated): gnomAD exomes 0.00001.

Submission:

Labcorp Genetics (formerly Invitae), Labcorp
Classification: Uncertain significance for Axenfeld-Rieger syndrome type 3. Last evaluated: 2025-01-15. Review status: criteria provided, single submitter. Criteria: Invitae Variant Classification Sherloc (09022015). Collection method: clinical testing. Allele origin: germline.
Comment: This sequence change replaces leucine, which is neutral and non-polar, with valine, which is neutral and non-polar, at codon 13 of the FOXC1 protein (p.Leu13Val). This variant is present in population databases (no rsID available, gnomAD 0.01%). This variant has not been reported in the literature in individuals affected with FOXC1-related conditions. ClinVar contains an entry for this variant (Variation ID: 1481297). An algorithm developed to predict the effect of missense changes on protein structure and function (PolyPhen-2) suggests that this variant is likely to be tolerated. In summary, the available evidence is currently insufficient to determine the role of this variant in disease. Therefore, it has been classified as a Variant of Uncertain Significance.